The following is an entry in ClinVar:

NC_000023.11:g.(?_31609621)_(32501852_?)del

Genes: DMD (dystrophin; minus strand), LOC129391296 (MPRA-validated peak7373 silencer; plus strand), LOC129391297 (MPRA-validated peak7374 silencer; plus strand). Cytogenetic location: Xp21.1.
Variant type: Deletion.
Identifiers: ClinVar variation 650182 (VCV000650182.1).

ClinVar aggregate classification (germline): Pathogenic (1 of 4 stars; one submission).

Conditions:
Duchenne muscular dystrophy (DMD). Also called: MUSCULAR DYSTROPHY, PSEUDOHYPERTROPHIC PROGRESSIVE, DUCHENNE TYPE; Duchenne Muscular Dystrophy (DMD). Identifiers: Orphanet 98896, MedGen C0013264, MONDO:0010679, OMIM 310200.

Submission:

Labcorp Genetics (formerly Invitae), Labcorp
Classification: Pathogenic for Duchenne muscular dystrophy. Last evaluated: 2018-12-28. Review status: criteria provided, single submitter. Criteria: Invitae Variant Classification Sherloc (09022015). Collection method: clinical testing. Allele origin: germline.
Comment: This variant is a gross deletion of the genomic region encompassing exons 19-79 of the DMD gene. The 5' boundary is likely confined to intron 18. The 3' end of this event is unknown as it extends through the termination codon beyond the assayed region for this gene and may encompass additional genes. While this deletion is not anticipated to result in nonsense mediated decay, it is expected to create a truncated protein product or disrupt mRNA translation. This variant has not been reported in the literature in individuals with DMD-related conditions. Many smaller in-frame deletions in the deleted region have been determined to be pathogenic (PMID: 15723292, 26081009, 19937601, 20153965, 16834926).Â¬â€ In addition, this variant disrupts the second actin-binding domain (ABD2) of the DMD protein, which is critical for DMD function (PMID: 26140716, 26676145). While functional studies have not been performed to directly test the effect of this variant on DMD protein function, this suggests that disruption of this region of the protein is causative of disease. For these reasons, this variant has been classified as Pathogenic.

Literature cited by the submitters: PubMed 26081009; PubMed 26676145; PubMed 19937601; PubMed 20153965; PubMed 15723292; PubMed 26140716; PubMed 16834926.